The following is an entry in ClinVar:

NM_001126108.2(SLC12A3):c.2223_2224del (p.Phe742fs)

Gene: SLC12A3 (solute carrier family 12 member 3; plus strand). Cytogenetic location: 16q13.
Variant type: Deletion.
Coding change: c.2223_2224del on transcript NM_001126108.2 (MANE Select); coding-DNA positions 2223 to 2224, 2 bases deleted (GT; older notation c.2223_2224delGT).
Protein change: p.Phe742fs; shifts the reading frame from phenylalanine 742.
Molecular consequence: frameshift variant.
Genome position (GRCh38, 1-based): chr16:56,887,969-56,887,970, GT deleted. VCF-style (leftmost placement, unchanged base first): chr16-56887968-GGT-G. GRCh37 (hg19) VCF-style: chr16-56921880-GGT-G.
Other names: c.2223_2224del, p.Phe742fs (NM_000339.3); c.2220_2221del, p.Phe741fs (NM_001126107.2, NM_001410896.1); short protein forms F742fs, F741fs.
Identifiers: ClinVar variation 2750657 (VCV002750657.3), dbSNP rs2543526446, ClinGen allele CA2697555869.

ClinVar aggregate classification (germline): Pathogenic (1 of 4 stars; one submission).

Submission:

Labcorp Genetics (formerly Invitae), Labcorp
Classification: Pathogenic. Last evaluated: 2023-08-06. Review status: criteria provided, single submitter. Criteria: Invitae Variant Classification Sherloc (09022015). Collection method: clinical testing. Allele origin: germline.
Comment: This variant is not present in population databases (gnomAD no frequency). This sequence change creates a premature translational stop signal (p.Phe742Glnfs*21) in the SLC12A3 gene. It is expected to result in an absent or disrupted protein product. Loss-of-function variants in SLC12A3 are known to be pathogenic (PMID: 20848653, 22009145, 25841442). This variant has not been reported in the literature in individuals affected with SLC12A3-related conditions. For these reasons, this variant has been classified as Pathogenic.

Literature cited by the submitters: PubMed 20848653; PubMed 22009145; PubMed 25841442.